The following is an entry in ClinVar:

ClinVar aggregate classification (germline): Uncertain significance. Review status: criteria provided, multiple submitters, no conflicts (2 of 4 stars). 3 submissions from 3 submitters: Uncertain significance (3). Last evaluated 2024-04-22.

Conditions:
Catecholaminergic polymorphic ventricular tachycardia (CVPT). Also called: Catecholamine-induced polymorphic ventricular tachycardia. Identifiers: Orphanet 3286, MedGen C5574922, MONDO:0017990.
Catecholaminergic polymorphic ventricular tachycardia 1. Also called: RYR2-Related Catecholaminergic Polymorphic Ventricular Tachycardia; VENTRICULAR TACHYCARDIA, CATECHOLAMINERGIC POLYMORPHIC, 1, WITH OR WITHOUT ATRIAL DYSFUNCTION AND/OR DILATED CARDIOMYOPATHY; VENTRICULAR TACHYCARDIA, STRESS-INDUCED POLYMORPHIC 1. Identifiers: Orphanet 3286, MedGen C1631597, MONDO:0011484, OMIM 604772.

Allele frequency attached by ClinVar (database versions not stated): gnomAD exomes below 0.00001.
gnomAD v4.1: 1 of 1,613,792 alleles (0.000062%); highest among the groups gnomAD compares: Non-Finnish European, 0.000085%; no homozygotes.

Submissions (3):

Labcorp Genetics (formerly Invitae), Labcorp
Classification: Uncertain significance for Catecholaminergic polymorphic ventricular tachycardia 1. Last evaluated: 2024-04-22. Review status: criteria provided, single submitter. Criteria: Invitae Variant Classification Sherloc (09022015). Collection method: clinical testing. Allele origin: germline.
Comment: This sequence change replaces lysine, which is basic and polar, with asparagine, which is neutral and polar, at codon 321 of the RYR2 protein (p.Lys321Asn). This variant is not present in population databases (gnomAD no frequency). This variant has not been reported in the literature in individuals affected with RYR2-related conditions. ClinVar contains an entry for this variant (Variation ID: 201206). Advanced modeling of protein sequence and biophysical properties (such as structural, functional, and spatial information, amino acid conservation, physicochemical variation, residue mobility, and thermodynamic stability) performed at Invitae indicates that this missense variant is not expected to disrupt RYR2 protein function with a negative predictive value of 95%. In summary, the available evidence is currently insufficient to determine the role of this variant in disease. Therefore, it has been classified as a Variant of Uncertain Significance.

All of Us Research Program, National Institutes of Health
Classification: Uncertain significance for Catecholaminergic polymorphic ventricular tachycardia. Last evaluated: 2024-03-05. Review status: criteria provided, single submitter. Criteria: ACMG Guidelines, 2015. Collection method: clinical testing. Allele origin: germline. Inheritance: Autosomal dominant inheritance. Observed: 1 variant allele, 1 heterozygote.
Comment: This study involves interpretation of variants in research participants for the purpose of population health screening. Participant phenotype was not available at the time of variant classification. Additional details can be found in publication PMID: 35346344, PMCID: PMC8962531

GeneDx
Classification: Uncertain significance. Last evaluated: 2019-10-14. Review status: criteria provided, single submitter. Criteria: GeneDx Variant Classification Process June 2021. Collection method: clinical testing. Allele origin: germline. Affected: yes.
Comment: Not observed in large population cohorts (Lek et al., 2016); In silico analysis, which includes protein predictors and evolutionary conservation, supports a deleterious effect; Has not been previously published as pathogenic or benign to our knowledge

NM_001035.3(RYR2):c.963A>T (p.Lys321Asn)

Gene: RYR2 (ryanodine receptor 2; plus strand). Cytogenetic location: 1q43.
Variant type: single nucleotide variant.
Coding change: c.963A>T on transcript NM_001035.3 (MANE Select); coding-DNA position 963, A replaced by T.
Protein change: p.Lys321Asn; replaces lysine 321 with asparagine.
Molecular consequence: missense variant.
Genome position (GRCh38, 1-based): chr1:237,423,206, A>T. VCF-style: chr1-237423206-A-T. GRCh37 (hg19) VCF-style: chr1-237586506-A-T.
Other names: p.K321N:AAA>AAT; c.963A>T, p.Lys321Asn (LRG_402t1); short protein forms K321N.
Identifiers: ClinVar variation 201206 (VCV000201206.7), dbSNP rs794728717, ClinGen allele CA011278.